The following is an entry in ClinVar:

ClinVar aggregate classification (germline): Pathogenic (1 of 4 stars; one submission).

Conditions:
Myopathy, proximal, and ophthalmoplegia (CMYO6). Also called: MYOPATHY WITH CONGENITAL JOINT CONTRACTURES, OPHTHALMOPLEGIA, AND RIMMED VACUOLES; INCLUSION BODY MYOPATHY 3, AUTOSOMAL DOMINANT; CONGENITAL MYOPATHY 6 WITH OPHTHALMOPLEGIA. Identifiers: Orphanet 363677, Orphanet 79091, MedGen C1854106, MONDO:0011577, OMIM 605637.

Submission:

Labcorp Genetics (formerly Invitae), Labcorp
Classification: Pathogenic for Myopathy, proximal, and ophthalmoplegia. Last evaluated: 2026-01-14. Review status: criteria provided, single submitter. Criteria: Invitae Variant Classification Sherloc (09022015). Collection method: clinical testing. Allele origin: germline.
Comment: This sequence change creates a premature translational stop signal (p.Gln1118*) in the MYH2 gene. It is expected to result in an absent or disrupted protein product. Loss-of-function variants in MYH2 are known to be pathogenic (PMID: 20418530, 23388406, 24193343). This variant is not present in population databases (gnomAD no frequency). This variant has not been reported in the literature in individuals affected with MYH2-related conditions. Algorithms developed to predict the effect of sequence changes on RNA splicing suggest that this variant may disrupt the consensus splice site. For these reasons, this variant has been classified as Pathogenic.

Literature cited by the submitters: PubMed 20418530; PubMed 23388406; PubMed 24193343.

NM_017534.6(MYH2):c.3352C>T (p.Gln1118Ter)

Genes: MYH2 (myosin heavy chain 2; minus strand), MYHAS (myosin heavy chain gene cluster antisense RNA; plus strand). Cytogenetic location: 17p13.1.
Variant type: single nucleotide variant.
Coding change: c.3352C>T on transcript NM_017534.6 (MANE Select); coding-DNA position 3352, C replaced by T.
Protein change: p.Gln1118Ter; replaces glutamine 1118 with a stop codon.
Molecular consequence: nonsense.
Genome position (GRCh38, 1-based): chr17:10,529,164, G>A on the plus strand (C>T on the coding strand, the complement: MYH2 is on the minus strand). VCF-style: chr17-10529164-G-A. GRCh37 (hg19) VCF-style: chr17-10432481-G-A.
Other names: c.3352C>T, p.Gln1118Ter (NM_001100112.2); short protein forms Q1118*.
Identifiers: ClinVar variation 4734856 (VCV004734856.1).